The following is an entry in ClinVar:

ClinVar aggregate classification (germline): Conflicting classifications of pathogenicity. Review status: criteria provided, conflicting classifications (1 of 4 stars). 14 submissions from 14 submitters: Likely pathogenic (1); Uncertain significance (12). 1 of the submissions does not count toward it. Last evaluated 2026-03-09.

Conditions:
CHEK2-related disorder.
CHEK2-related cancer predisposition (TPDS4). Also called: CHEK2-related cancer susceptibility; TUMOR PREDISPOSITION SYNDROME 4; CANCER PREDISPOSITION SYNDROME, CHEK2-RELATED. Identifiers: Orphanet 524, MedGen C5882668, MONDO:0700271, OMIM 609265.
Familial prostate cancer. Also called: Hereditary Prostate Cancer. Identifiers: MedGen C2931456, MONDO:0700275, OMIM 176807.
Bone osteosarcoma. Also called: Osteosarcoma, somatic. Identifiers: Orphanet 668, MedGen C0585442, MONDO:0002629, OMIM 259500.
Hereditary cancer-predisposing syndrome. Also called: Hereditary Cancer Syndrome; Neoplastic Syndromes, Hereditary; Tumor predisposition; Hereditary neoplastic syndrome. Identifiers: Orphanet 140162, MedGen C0027672, MeSH D009386, MONDO:0015356.
Familial cancer of breast. Also called: Hereditary breast cancer; hereditary breast carcinoma; BREAST CANCER, FAMILIAL. Identifiers: Orphanet 227535, MedGen C0346153, MONDO:0016419, OMIM 114480. Disease mechanism: loss of function.

Allele frequency attached by ClinVar (database versions not stated): TOPMed 0.00002; ExAC 0.00001; gnomAD 0.00001 and 0.00002; gnomAD exomes 0.00001 and 0.00002.
gnomAD v4.1: 14 of 1,613,992 alleles (0.00087%); highest among the groups gnomAD compares: Middle Eastern, 0.016%; no homozygotes.

Submissions 1 to 9 of 14:

PreventionGenetics, part of Exact Sciences
Classification: Uncertain significance for CHEK2-related condition. Last evaluated: 2026-03-09. Review status: criteria provided, single submitter. Criteria: ACMG Guidelines, 2015. Collection method: clinical testing. Allele origin: germline.
Comment: The CHEK2 c.475T>C variant is predicted to result in the amino acid substitution p.Tyr159His. This variant was reported in a individuals with breast cancer (Kleibl et al. 2008. PubMed ID: 18058223; Guindalini et al. 2022. PubMed ID: 35264596; and Fostira et al. 2019. PubMed ID: 31300551), pancreatic cancer (Puccini et al. 2022. PubMed ID: 36139606), and Hodgkin lymphoma (Havranek et al. 2011. PubMed ID: 21744992). Functional studies in yeast and kinase assays indicate that this variant does not disrupt CHEK2 function (Delimitsou et al. 2019. PubMed ID: 30851065; Stolarova et al. 2023. PubMed ID: 37449874). This variant is reported in 0.0039% of alleles in individuals of European (Non-Finnish) descent in gnomAD, and is interpreted as a variant of uncertain significance by the majority of labs in ClinVar (Variation ID: 185924). At this time, the clinical significance of this variant is uncertain due to the absence of conclusive functional and genetic evidence.

Labcorp Genetics (formerly Invitae), Labcorp
Classification: Uncertain significance for Familial cancer of breast. Last evaluated: 2025-10-13. Review status: criteria provided, single submitter. Criteria: Invitae Variant Classification Sherloc (09022015). Collection method: clinical testing. Allele origin: germline.
Comment: This sequence change replaces tyrosine, which is neutral and polar, with histidine, which is basic and polar, at codon 159 of the CHEK2 protein (p.Tyr159His). This variant is present in population databases (rs781254437, gnomAD 0.004%). This missense change has been observed in individual(s) with breast cancer, Hodgkin's lymphoma, myelodysplastic syndrome (MDS), chronic myelomonocytic leukemia (CMML), B-cell acute lymphoblastic leukemia (B-ALL), and/or pancreatic cancer (PMID: 18058223, 21744992, 31300551, 36139606). ClinVar contains an entry for this variant (Variation ID: 185924). An algorithm developed to predict the effect of missense changes on protein structure and function (PolyPhen-2) suggests that this variant is likely to be disruptive. Experimental studies are conflicting or provide insufficient evidence to determine the effect of this variant on CHEK2 function (PMID: 30851065, 33986034, 37449874). In summary, the available evidence is currently insufficient to determine the role of this variant in disease. Therefore, it has been classified as a Variant of Uncertain Significance.

Ambry Genetics
Classification: Uncertain significance for Hereditary cancer-predisposing syndrome. Last evaluated: 2025-09-03. Review status: criteria provided, single submitter. Criteria: Ambry Variant Classification Scheme 2023. Collection method: clinical testing. Allele origin: germline.
Comment: The p.Y159H variant (also known as c.475T>C), located in coding exon 3 of the CHEK2 gene, results from a T to C substitution at nucleotide position 475. The tyrosine at codon 159 is replaced by histidine, an amino acid with similar properties. This alteration has been identified in multiple individuals diagnosed with breast cancer (Kleibl Z et al. Breast Cancer Res. Treat. 2008 Nov;112:159-64; Fostira F et al. J Med Genet, 2020 01;57:53-61; Guindalini RSC et al. Sci Rep. 2022 Mar;12(1):4190). Several functional studies have reported this alteration as retaining normal levels of activity (Delimitsou A et al. Hum. Mutat. 2019 May;40:631-648; Stolarova L et al. Clin Cancer Res. 2023 Aug;29(16):3037-3050). However, another study reported that this variant impaired association with BRCA1 (Bazinet A et al. Cold Spring Harb Mol Case Stud. 2021 Jun;7(3). This amino acid position is highly conserved in available vertebrate species. In addition, this alteration is predicted to be deleterious by in silico analysis. Based on the available evidence, the clinical significance of this variant remains unclear.

Blueprint Genetics
Classification: Uncertain significance. Last evaluated: 2024-07-04. Review status: criteria provided, single submitter. Criteria: ACMG Guidelines, 2015. Collection method: clinical testing. Allele origin: germline.

CeGaT Center for Human Genetics Tuebingen
Classification: Uncertain significance. Last evaluated: 2024-04-01. Review status: criteria provided, single submitter. Criteria: CeGaT Center For Human Genetics Tuebingen Variant Classification Criteria Version 2. Collection method: clinical testing. Allele origin: germline. Affected: yes. Observed: 2 variant alleles.
Comment: CHEK2: PM2, PS4:Supporting, BP1

Color Diagnostics, LLC DBA Color Health
Classification: Uncertain significance for Hereditary cancer-predisposing syndrome. Last evaluated: 2024-03-19. Review status: criteria provided, single submitter. Criteria: ACMG Guidelines, 2015. Collection method: clinical testing. Allele origin: germline.
Comment: This missense variant replaces tyrosine with histidine at codon 159 of the CHEK2 protein. Computational prediction suggests that this variant may have deleterious impact on protein structure and function. Functional studies have shown the mutant protein to be functional in a yeast complementation assay and in a human cell complementation assay (PMID: 30851065, 37449874), while another functional study has shown the mutant protein to exhibit impaired binding to BRCA1 (PMID: 33986034). This variant has been reported in individuals affected with breast cancer and Hodgkin's lymphoma (PMID: 18058223, 21744992, 31300551) and in an individual who sequentially developed myelodysplastic syndrome, chronic myelomonocytic leukemia, and B-cell acute lymphoblastic leukemia (PMID: 33986034). This variant has been reported in two breast cancer case-control meta-analyses, reported in 1/60466 cases and 0/53461 unaffected controls (PMID: 33471991; Leiden Open Variation Database DB-ID CHEK2_000180), and 1/73048 cases and 2/88658 controls (PMID: 37449874). This variant has been identified in 5/282816 chromosomes in the general population by the Genome Aggregation Database (gnomAD). The available evidence is insufficient to determine the role of this variant in disease conclusively. Therefore, this variant is classified as a Variant of Uncertain Significance.

Baylor Genetics
Classification: Uncertain significance for Familial cancer of breast. Last evaluated: 2024-02-19. Review status: criteria provided, single submitter. Criteria: ACMG Guidelines, 2015. Collection method: clinical testing. Allele origin: unknown.

Fulgent Genetics
Classification: Uncertain significance for Familial prostate cancer; Bone osteosarcoma; CHEK2-related cancer predisposition. Last evaluated: 2024-01-18. Review status: criteria provided, single submitter. Criteria: ACMG Guidelines, 2015. Collection method: clinical testing. Allele origin: germline.

Women's Health and Genetics/Laboratory Corporation of America, LabCorp
Classification: Uncertain significance. Last evaluated: 2023-06-26. Review status: criteria provided, single submitter. Criteria: LabCorp Variant Classification Summary - May 2015. Collection method: clinical testing. Allele origin: germline.
Comment: Variant summary: CHEK2 c.475T>C (p.Tyr159His) results in a conservative amino acid change located in the Forkhead-associated (FHA) domain of the encoded protein sequence. Four of five in-silico tools predict a damaging effect of the variant on protein function. The variant allele was found at a frequency of 1.6e-05 in 252780 control chromosomes in gnomAD. The available data on variant occurrences in the general population are insufficient to allow any conclusion about variant significance. c.475T>C has been reported in the literature in individuals affected with Breast Cancer (example: Kleibl_2008, Fostira_2019, Guindalini_2022) and an individual with myelodysplastic syndrome and leukemia (Bazinet_2021). These reports do not provide unequivocal conclusions about association of the variant with Hereditary Breast And Ovarian Cancer Syndrome. At least two publications report experimental evidence evaluating an impact on protein function and provided discordant results: Delimitsou_2019 suggested no damaging effect of this variant based on a Yeast functional assay, Bazinet_2021 however suggests a loss-of-function effect of this variant by a CHK2-BRCA1 colocalization assay. The following publications have been ascertained in the context of this evaluation (PMID: 33986034, 30851065, 31300551, 35264596, 18058223, 36139606, 33471991). Eight submitters have cited clinical-significance assessments for this variant to ClinVar after 2014 (VUS: 7; Likely pathogenic: 1). Based on the evidence outlined above, the variant was classified as uncertain significance.

NM_007194.4(CHEK2):c.475T>C (p.Tyr159His)

Gene: CHEK2 (checkpoint kinase 2; minus strand). Cytogenetic location: 22q12.1.
Variant type: single nucleotide variant.
Coding change: c.475T>C on transcript NM_007194.4 (MANE Select); coding-DNA position 475, T replaced by C.
Protein change: p.Tyr159His; replaces tyrosine 159 with histidine.
Molecular consequence: missense variant. On other transcripts: 5 prime UTR variant (2), intron variant (1).
Genome position (GRCh38, 1-based): chr22:28,725,094, A>G on the plus strand (T>C on the coding strand, the complement: CHEK2 is on the minus strand). VCF-style: chr22-28725094-A-G. GRCh37 (hg19) VCF-style: chr22-29121082-A-G.
Other names: c.604T>C, p.Tyr202His (NM_001005735.3, NM_001438294.1); c.-303T>C (NM_001257387.3); c.-189T>C (NM_001437942.1); c.568T>C, p.Tyr190His (NM_001438293.1, NM_001438295.1); c.475T>C, p.Tyr159His (NM_145862.3); c.444+149T>C (NM_001349956.3); short protein forms Y159H, Y202H, Y190H.
Identifiers: ClinVar variation 185924 (VCV000185924.74), dbSNP rs781254437, ClinGen allele CA193390.
Genomic context (GRCh38, chr22:28,725,094, plus strand): 5'-TTCCTTTCCCTACAAGCTCTGTATTTACAAAGGTTCCATTGCCACTGTGATCTTCTATGT[A>G]TGCAATGTAAGAGTTTTTAGGACCCACTTCCTAAAATAGAGAACATTTTGTTTCAGACTT-3'
Protein context (NP_009125.1, residues 149-169): EVGPKNSYIA[Tyr159His]IEDHSGNGTF